The following is an entry in ClinVar:

ClinVar aggregate classification (germline): Uncertain significance. Review status: criteria provided, multiple submitters, no conflicts (2 of 4 stars). 4 submissions from 4 submitters: Uncertain significance (4). Last evaluated 2025-08-22.

Conditions:
Hereditary nonpolyposis colorectal neoplasms. Identifiers: MedGen C0009405, MeSH D003123.
Hereditary cancer-predisposing syndrome. Also called: Neoplastic Syndromes, Hereditary; Tumor predisposition; Hereditary Cancer Syndrome; Hereditary neoplastic syndrome. Identifiers: Orphanet 140162, MedGen C0027672, MeSH D009386, MONDO:0015356.
Lynch syndrome 4 (LYNCH4). Also called: Colorectal cancer, hereditary nonpolyposis, type 4; Hereditary non-polyposis colorectal cancer, type 4. Identifiers: Orphanet 144, MedGen C1838333, MONDO:0013699, OMIM 614337. Disease mechanism: loss of function.

Allele frequency attached by ClinVar (database versions not stated): gnomAD exomes 0.00001.
gnomAD v4.1: 4 of 1,613,922 alleles (0.00025%); highest among the groups gnomAD compares: Non-Finnish European, 0.00025%; no homozygotes.

Submissions (4):

Color Diagnostics, LLC DBA Color Health
Classification: Uncertain significance for Hereditary cancer-predisposing syndrome. Last evaluated: 2025-08-22. Review status: criteria provided, single submitter. Criteria: ACMG Guidelines, 2015. Collection method: clinical testing. Allele origin: germline.
Comment: This missense variant replaces isoleucine with phenylalanine at codon 292 of the PMS2 protein. Computational prediction suggests that this variant may have deleterious impact on protein structure and function. To our knowledge, functional studies have not been reported for this variant. This variant has not been reported in individuals affected with PMS2-related disorders in the literature. This variant has not been identified in the general population by the Genome Aggregation Database (gnomAD). The available evidence is insufficient to determine the role of this variant in disease conclusively. Therefore, this variant is classified as a Variant of Uncertain Significance.

Ambry Genetics
Classification: Uncertain significance for Hereditary cancer-predisposing syndrome. Last evaluated: 2025-07-03. Review status: criteria provided, single submitter. Criteria: Ambry Variant Classification Scheme 2023. Collection method: clinical testing. Allele origin: germline.
Comment: The p.I292F variant (also known as c.874A>T), located in coding exon 8 of the PMS2 gene, results from an A to T substitution at nucleotide position 874. The isoleucine at codon 292 is replaced by phenylalanine, an amino acid with highly similar properties. This amino acid position is highly conserved in available vertebrate species. In addition, this alteration is predicted to be deleterious by in silico analysis. Since supporting evidence is limited at this time, the clinical significance of this alteration remains unclear.

Baylor Genetics
Classification: Uncertain significance for Lynch syndrome 4. Last evaluated: 2023-05-19. Review status: criteria provided, single submitter. Criteria: ACMG Guidelines, 2015. Collection method: clinical testing. Allele origin: unknown.

Labcorp Genetics (formerly Invitae), Labcorp
Classification: Uncertain significance for Hereditary nonpolyposis colorectal neoplasms. Last evaluated: 2021-11-19. Review status: criteria provided, single submitter. Criteria: Invitae Variant Classification Sherloc (09022015). Collection method: clinical testing. Allele origin: germline.
Comment: This sequence change replaces isoleucine, which is neutral and non-polar, with phenylalanine, which is neutral and non-polar, at codon 292 of the PMS2 protein (p.Ile292Phe). This variant is not present in population databases (gnomAD no frequency). This variant has not been reported in the literature in individuals affected with PMS2-related conditions. ClinVar contains an entry for this variant (Variation ID: 140792). Algorithms developed to predict the effect of missense changes on protein structure and function are either unavailable or do not agree on the potential impact of this missense change (SIFT: "Deleterious"; PolyPhen-2: "Probably Damaging"; Align-GVGD: "Class C0"). In summary, the available evidence is currently insufficient to determine the role of this variant in disease. Therefore, it has been classified as a Variant of Uncertain Significance.

NM_000535.7(PMS2):c.874A>T (p.Ile292Phe)

Gene: PMS2 (PMS1 homolog 2, mismatch repair system component; minus strand). Cytogenetic location: 7p22.1.
Variant type: single nucleotide variant.
Coding change: c.874A>T on transcript NM_000535.7 (MANE Select); coding-DNA position 874, A replaced by T.
Protein change: p.Ile292Phe; replaces isoleucine 292 with phenylalanine.
Molecular consequence: missense variant. On other transcripts: 5 prime UTR variant (2), non-coding transcript variant (1).
Genome position (GRCh38, 1-based): chr7:5,995,563, T>A on the plus strand (A>T on the coding strand, the complement: PMS2 is on the minus strand). VCF-style: chr7-5995563-T-A. GRCh37 (hg19) VCF-style: chr7-6035194-T-A.
Other names: c.469A>T, p.Ile157Phe (NM_001322003.2, NM_001322004.2, NM_001322005.2 and 2 more transcripts); c.874A>T, p.Ile292Phe (NM_001322006.2, NM_001322014.2); c.556A>T, p.Ile186Phe (NM_001322007.2, NM_001322008.2); c.-60A>T (NM_001322011.2, NM_001322012.2); c.301A>T, p.Ile101Phe (NM_001322013.2); c.565A>T, p.Ile189Phe (NM_001322015.2); short protein forms I292F, I157F, I189F, I101F, I186F.
Identifiers: ClinVar variation 140792 (VCV000140792.14), dbSNP rs587781281, ClinGen allele CA013117.